The following is an entry in ClinVar:

NM_000342.4(SLC4A1):c.486-10C>T

Gene: SLC4A1 (solute carrier family 4 member 1 (Diego blood group); minus strand). Cytogenetic location: 17q21.31.
Variant type: single nucleotide variant.
Coding change: c.486-10C>T on transcript NM_000342.4 (MANE Select); 10 bases into the intron before coding-DNA position 486, C replaced by T.
Molecular consequence: intron variant.
Genome position (GRCh38, 1-based): chr17:44,259,942, G>A on the plus strand (C>T on the coding strand, the complement: SLC4A1 is on the minus strand). VCF-style: chr17-44259942-G-A. GRCh37 (hg19) VCF-style: chr17-42337310-G-A.
Identifiers: ClinVar variation 892040 (VCV000892040.6), dbSNP rs376999476, ClinGen allele CA8600575.

ClinVar aggregate classification (germline): Conflicting classifications of pathogenicity. Review status: criteria provided, conflicting classifications (1 of 4 stars). 5 submissions from 3 submitters: Uncertain significance (2); Benign (1); Likely benign (2). Last evaluated 2026-01-09.

Conditions:
Hemolytic anemia. Identifiers: MedGen C0002878, MONDO:0003664, HP:0001878.
SLC4A1-related disorder. Also called: SLC4A1-related disorders; SLC4A1-related condition.
Hereditary spherocytosis type 4. Also called: SLC4A1-Related Spherocytosis. Identifiers: Orphanet 822, MedGen C2675212, MONDO:0012981, OMIM 612653.
Autosomal dominant distal renal tubular acidosis (DRTA1). Also called: RENAL TUBULAR ACIDOSIS, DISTAL, 1; Renal Tubular Acidosis, Type I; RTA, CLASSIC TYPE; RTA, DISTAL TYPE, AUTOSOMAL DOMINANT; RTA, GRADIENT TYPE. Identifiers: Orphanet 93608, MedGen CN280572, MONDO:0008368, OMIM 179800.

Allele frequency attached by ClinVar (database versions not stated): gnomAD 0.00002 and 0.00007; TOPMed 0.00005; ESP Exome Variant Server 0.00008; ExAC 0.00011; gnomAD exomes 0.00014; 1000 Genomes Project 30x 0.00031; 1000 Genomes Project 0.00040.
gnomAD v4.1: 128 of 1,613,532 alleles (0.0079%); highest among the groups gnomAD compares: South Asian, 0.1%; no homozygotes.

Submissions (5):

Labcorp Genetics (formerly Invitae), Labcorp
Classification: Likely benign. Last evaluated: 2026-01-09. Review status: criteria provided, single submitter. Criteria: Invitae Variant Classification Sherloc (09022015). Collection method: clinical testing. Allele origin: germline.

PreventionGenetics, part of Exact Sciences
Classification: Likely benign for SLC4A1-related condition. Last evaluated: 2024-11-07. Review status: criteria provided, single submitter. Criteria: ACMG Guidelines, 2015. Collection method: clinical testing. Allele origin: germline.
Comment: This variant is classified as likely benign based on ACMG/AMP sequence variant interpretation guidelines (Richards et al. 2015 PMID: 25741868, with internal and published modifications).

Illumina Laboratory Services, Illumina
Classification: Uncertain significance for Hereditary spherocytosis type 4. Last evaluated: 2018-01-13. Review status: criteria provided, single submitter. Criteria: ICSL Variant Classification Criteria 13 December 2019. Collection method: clinical testing. Allele origin: germline.

Illumina Laboratory Services, Illumina
Classification: Benign for Autosomal dominant distal renal tubular acidosis. Last evaluated: 2018-01-13. Review status: criteria provided, single submitter. Criteria: ICSL Variant Classification Criteria 13 December 2019. Collection method: clinical testing. Allele origin: germline.
Comment: This variant was observed in the ICSL laboratory as part of a predisposition screen in an ostensibly healthy population. It had not been previously curated by ICSL or reported in the Human Gene Mutation Database (HGMD: prior to June 1st, 2018), and was therefore a candidate for classification through an automated scoring system. Utilizing variant allele frequency, disease prevalence and penetrance estimates, and inheritance mode, an automated score was calculated to assess if this variant is too frequent to cause the disease. Based on the score and internal cut-off values, a variant classified as benign is not then subjected to further curation. The score for this variant resulted in a classification of benign for this disease.

Illumina Laboratory Services, Illumina
Classification: Uncertain significance for Hemolytic anemia. Last evaluated: 2018-01-13. Review status: criteria provided, single submitter. Criteria: ICSL Variant Classification Criteria 13 December 2019. Collection method: clinical testing. Allele origin: germline.